The following is an entry in ClinVar:

NM_000282.4(PCCA):c.743A>G (p.Glu248Gly)

Gene: PCCA (propionyl-CoA carboxylase subunit alpha; plus strand). Cytogenetic location: 13q32.3.
Variant type: single nucleotide variant.
Coding change: c.743A>G on transcript NM_000282.4 (MANE Select); coding-DNA position 743, A replaced by G.
Protein change: p.Glu248Gly; replaces glutamic acid 248 with glycine.
Molecular consequence: missense variant. On other transcripts: 5 prime UTR variant (3), non-coding transcript variant (5).
Genome position (GRCh38, 1-based): chr13:100,262,755, A>G. VCF-style: chr13-100262755-A-G. GRCh37 (hg19) VCF-style: chr13-100915009-A-G.
Other names: c.665A>G, p.Glu222Gly (NM_001127692.3, NM_001352607.2, NM_001352608.2); c.743A>G, p.Glu248Gly (NM_001178004.2, NM_001352605.2, NM_001352606.2 and 1 more transcripts); c.-203A>G (NM_001352610.2, NM_001352611.2, NM_001352612.2); short protein forms E222G, E248G.
Identifiers: ClinVar variation 4802375 (VCV004802375.1).

ClinVar aggregate classification (germline): Uncertain significance (1 of 4 stars; one submission).

Conditions:
Propionic acidemia (PROP). Also called: HYPERGLYCINEMIA WITH KETOACIDOSIS AND LEUKOPENIA; KETOTIC HYPERGLYCINEMIA; GLYCINEMIA, KETOTIC. Identifiers: Orphanet 35, MedGen C0268579, MONDO:0011628, OMIM 606054, HP:0003571.

Submission:

Labcorp Genetics (formerly Invitae), Labcorp
Classification: Uncertain significance for Propionic acidemia. Last evaluated: 2025-04-03. Review status: criteria provided, single submitter. Criteria: Invitae Variant Classification Sherloc (09022015). Collection method: clinical testing. Allele origin: germline.
Comment: This sequence change replaces glutamic acid, which is acidic and polar, with glycine, which is neutral and non-polar, at codon 248 of the PCCA protein (p.Glu248Gly). This variant is not present in population databases (gnomAD no frequency). This variant has not been reported in the literature in individuals affected with PCCA-related conditions. Invitae Evidence Modeling of protein sequence and biophysical properties (such as structural, functional, and spatial information, amino acid conservation, physicochemical variation, residue mobility, and thermodynamic stability) indicates that this missense variant is expected to disrupt PCCA protein function with a positive predictive value of 80%. In summary, the available evidence is currently insufficient to determine the role of this variant in disease. Therefore, it has been classified as a Variant of Uncertain Significance.